The following is an entry in ClinVar:

ClinVar aggregate classification (germline): Uncertain significance (1 of 4 stars; one submission).

gnomAD v4.1: 5 of 1,614,006 alleles (0.00031%); highest among the groups gnomAD compares: South Asian, 0.0011%; no homozygotes.

Submission:

Labcorp Genetics (formerly Invitae), Labcorp
Classification: Uncertain significance. Last evaluated: 2025-07-22. Review status: criteria provided, single submitter. Criteria: Invitae Variant Classification Sherloc (09022015). Collection method: clinical testing. Allele origin: germline.
Comment: This sequence change replaces aspartic acid, which is acidic and polar, with asparagine, which is neutral and polar, at codon 488 of the BACH2 protein (p.Asp488Asn). This variant is present in population databases (rs769660831, gnomAD 0.004%). This variant has not been reported in the literature in individuals affected with BACH2-related conditions. Invitae Evidence Modeling of protein sequence and biophysical properties (such as structural, functional, and spatial information, amino acid conservation, physicochemical variation, residue mobility, and thermodynamic stability) indicates that this missense variant is not expected to disrupt BACH2 protein function with a negative predictive value of 80%. In summary, the available evidence is currently insufficient to determine the role of this variant in disease. Therefore, it has been classified as a Variant of Uncertain Significance.

NM_021813.4(BACH2):c.1462G>A (p.Asp488Asn)

Gene: BACH2 (BACH transcriptional regulator 2; minus strand). Cytogenetic location: 6q15.
Variant type: single nucleotide variant.
Coding change: c.1462G>A on transcript NM_021813.4 (MANE Select); coding-DNA position 1462, G replaced by A.
Protein change: p.Asp488Asn; replaces aspartic acid 488 with asparagine.
Molecular consequence: missense variant.
Genome position (GRCh38, 1-based): chr6:89,950,644, C>T on the plus strand (G>A on the coding strand, the complement: BACH2 is on the minus strand). VCF-style: chr6-89950644-C-T. GRCh37 (hg19) VCF-style: chr6-90660363-C-T.
Other names: c.1462G>A, p.Asp488Asn (NM_001170794.2); short protein forms D488N.
Identifiers: ClinVar variation 4771788 (VCV004771788.1).